The following is an entry in ClinVar:

ClinVar aggregate classification (germline): Uncertain significance (1 of 4 stars; one submission).

Allele frequency attached by ClinVar (database versions not stated): ESP Exome Variant Server 0.00008.
gnomAD v4.1: 7 of 1,613,978 alleles (0.00043%); highest among the groups gnomAD compares: Non-Finnish European, 0.00059%; no homozygotes.

Submission:

Labcorp Genetics (formerly Invitae), Labcorp
Classification: Uncertain significance. Last evaluated: 2022-08-15. Review status: criteria provided, single submitter. Criteria: Invitae Variant Classification Sherloc (09022015). Collection method: clinical testing. Allele origin: germline.
Comment: This sequence change replaces aspartic acid with asparagine at codon 75 of the UNC45A protein (p.Asp75Asn). The aspartic acid residue is weakly conserved and there is a small physicochemical difference between aspartic acid and asparagine. The frequency data for this variant in the population databases is considered unreliable, as metrics indicate poor data quality at this position in the gnomAD database. This variant has not been reported in the literature in individuals affected with UNC45A-related conditions. ClinVar contains an entry for this variant (Variation ID: 1467060). Algorithms developed to predict the effect of missense changes on protein structure and function output the following: SIFT: "Not Available"; PolyPhen-2: "Benign"; Align-GVGD: "Not Available". The asparagine amino acid residue is found in multiple mammalian species, which suggests that this missense change does not adversely affect protein function. In summary, the available evidence is currently insufficient to determine the role of this variant in disease. Therefore, it has been classified as a Variant of Uncertain Significance.

NM_018671.5(UNC45A):c.223G>A (p.Asp75Asn)

Gene: UNC45A (unc-45 myosin chaperone A; plus strand). Cytogenetic location: 15q26.1.
Variant type: single nucleotide variant.
Coding change: c.223G>A on transcript NM_018671.5 (MANE Select); coding-DNA position 223, G replaced by A.
Protein change: p.Asp75Asn; replaces aspartic acid 75 with asparagine.
Molecular consequence: missense variant. On other transcripts: 5 prime UTR variant (1).
Genome position (GRCh38, 1-based): chr15:90,935,955, G>A. VCF-style: chr15-90935955-G-A. GRCh37 (hg19) VCF-style: chr15-91479185-G-A.
Other names: c.178G>A, p.Asp60Asn (NM_001039675.2, NM_001323621.2); c.223G>A, p.Asp75Asn (NM_001323619.1); c.-361G>A (NM_001323620.2); short protein forms D60N, D75N.
Identifiers: ClinVar variation 1467060 (VCV001467060.3), dbSNP rs201273337, ClinGen allele CA7742474.